The following is an entry in ClinVar:

ClinVar aggregate classification (germline): Pathogenic. Review status: reviewed by expert panel (3 of 4 stars). 3 submissions from 3 submitters: Pathogenic (1). 2 of the submissions do not count toward it. Last evaluated 2021-03-26.

Conditions:
Angelman syndrome (AS). Also called: HAPPY PUPPET SYNDROME. Identifiers: Orphanet 72, MedGen C0162635, MONDO:0007113, OMIM 105830. Disease mechanism: loss of function. Inheritance: AS is caused by disruption of maternally imprinted UBE3A located within the 15q11.2-q13 Angelman syndrome/Prader-Willi syndrome (AS/PWS) region., imprinting disorder.

Submissions (3):

ClinGen Rett and Angelman-like Disorders Variant Curation Expert Panel
Classification: Pathogenic for Angelman syndrome. Last evaluated: 2021-03-26. Review status: reviewed by expert panel. Criteria: ClinGen RettAS ACMG Specifications V1. Collection method: curation. Allele origin: germline. Inheritance: Autosomal dominant inheritance.
Comment: The p.M1? variant in UBE3A is predicted to cause a truncated or absent protein by altering the start codon of the coding sequence in a UBE3A where loss-of-function is an established disease mechanism. Pathogenic variants affecting the start site have been described in affected patients (PVS1). The p.M1? variant has been observed in 3 other individuals with Angelman syndrome (PMID 29737008, 25212744) (PS4_Moderate). The p.M1? variant in UBE3A is absent from gnomAD (PM2_Supporting). The p.M1? variant in UBE3A has been reported as a de novo occurrence (biological parentage unconfirmed) in an individual with Angelman syndrome (PMID 29737008) (PM6). The variant has been reported to segregate in two informative meioses (PP1). The p.M1? variant in UBE3A has been reported in an individual with a clinical phenotype suggestive of Angelman syndrome (PMID 29737008, 25212744) (PP4). In summary, the p.M1? variant in UBE3A is classified as pathogenic for Angelman syndrome based on the ACMG/AMP criteria (PVS1, PS4_moderate, PM2_supporting, PM6, PP1, PP4).

Eurofins Ntd Llc (ga)
Classification: Likely pathogenic. Last evaluated: 2015-01-28. Review status: criteria provided, single submitter. Criteria: EGL Classification Definitions 2015. Collection method: clinical testing. Allele origin: germline. Not counted in ClinVar's aggregate classification.

Baylor Genetics
Classification: Pathogenic for Angelman Syndrome. Last evaluated: 2014-02-14. Review status: no assertion criteria provided. Collection method: clinical testing. Allele origin: germline. Affected: yes. Observed: 1 variant allele. Study: UBE3A Mutation Study. Not counted in ClinVar's aggregate classification.
Comment: Data collected from clinical UBE3A sequence analysis results

Literature cited by the submitters: PubMed 29737008 (cited by ClinGen Rett and Angelman-like Disorders Variant Curation Expert Panel); PubMed 25212744 (cited by ClinGen Rett and Angelman-like Disorders Variant Curation Expert Panel and Baylor Genetics).

NM_130839.5(UBE3A):c.62T>C (p.Met21Thr)

Genes: SNHG14 (small nucleolar RNA host gene 14; plus strand), UBE3A (ubiquitin protein ligase E3A; minus strand). Cytogenetic location: 15q11.2.
Variant type: single nucleotide variant.
Coding change: c.62T>C on transcript NM_130839.5 (MANE Select); coding-DNA position 62, T replaced by C.
Protein change: p.Met21Thr; replaces methionine 21 with threonine.
Molecular consequence: missense variant. On other transcripts: initiator codon variant (20), non-coding transcript variant (1), intron variant (1), 5 prime UTR variant (1).
Genome position (GRCh38, 1-based): chr15:25,405,461, A>G on the plus strand (T>C on the coding strand, the complement: UBE3A is on the minus strand). VCF-style: chr15-25405461-A-G. GRCh37 (hg19) VCF-style: chr15-25650608-A-G.
Other names: c.2T>C, p.Met1Thr (NM_001354539.2, NM_001354540.2, NM_001354541.2 and 17 more transcripts); c.62T>C, p.Met21Thr (NM_001354545.2, NM_001354550.2, NM_001354505.1 and 1 more transcripts); c.-115-29698T>C (NM_001354546.2); c.71T>C, p.Met24Thr (NM_000462.5); c.-112T>C (NM_001354523.2); short protein forms M1T, M21T, M24T.
Identifiers: ClinVar variation 136199 (VCV000136199.9), dbSNP rs587780577, ClinGen allele CA333472.
Genomic context (GRCh38, chr15:25,405,461, plus strand): 5'-TTTAAAGCAGTCTAGGGCAACTCAAAATAAGAACCACAGTCTCAACCAAGTTACACTTAC[A>G]TTCGGCTAGCTTCAATGTCGTCAGACTGAGGTTCTCCTGATCTGTAAAATGCAATTGAGA-3'
Protein context (NP_570854.1, residues 11-31): PQSDDIEASR[Met21Thr]KRAAAKHLIE